The following is an entry in ClinVar:

NM_020461.4(TUBGCP6):c.5266_5274delinsCTGGGG (p.Trp1756_Pro1758delinsLeuGly)

Gene: TUBGCP6 (tubulin gamma complex component 6; minus strand). Cytogenetic location: 22q13.33.
Variant type: Indel.
Coding change: c.5266_5274delinsCTGGGG on transcript NM_020461.4 (MANE Select); coding-DNA positions 5266 to 5274, TGGGGGCCC replaced by CTGGGG.
Protein change: p.Trp1756_Pro1758delinsLeuGly.
Molecular consequence: inframe indel.
Genome position (GRCh38, 1-based): chr22:50,218,012-50,218,020, GGGCCCCCA replaced by CCCCAG on the plus strand (TGGGGGCCC replaced by CTGGGG on the coding strand, the reverse complement: TUBGCP6 is on the minus strand). VCF-style: chr22-50218012-GGGCCCCCA-CCCCAG. GRCh37 (hg19) VCF-style: chr22-50656441-GGGCCCCCA-CCCCAG.
Identifiers: ClinVar variation 1967113 (VCV001967113.5), dbSNP rs2519119850, ClinGen allele CA2580099920.

ClinVar aggregate classification (germline): Uncertain significance (1 of 4 stars; one submission).

Submission:

Labcorp Genetics (formerly Invitae), Labcorp
Classification: Uncertain significance. Last evaluated: 2022-03-04. Review status: criteria provided, single submitter. Criteria: Invitae Variant Classification Sherloc (09022015). Collection method: clinical testing. Allele origin: germline.
Comment: Experimental studies and prediction algorithms are not available or were not evaluated, and the functional significance of this variant is currently unknown. In summary, the available evidence is currently insufficient to determine the role of this variant in disease. Therefore, it has been classified as a Variant of Uncertain Significance. This variant has not been reported in the literature in individuals affected with TUBGCP6-related conditions. This variant, c.5266_5274delinsCTGGGG , is a complex sequence change that results in the deletion of 3 and insertion of 2 amino acid(s) in the TUBGCP6 protein (p.Trp1756_Pro1758delinsLeuGly). This variant is present in population databases (rs749474868, gnomAD 0.007%).